The following is an entry in ClinVar:

ClinVar aggregate classification (germline): Likely benign (1 of 4 stars; one submission).

Conditions:
INPP5E-related disorder. Also called: INPP5E-related condition.

Submission:

PreventionGenetics, part of Exact Sciences
Classification: Likely benign for INPP5E-related condition. Last evaluated: 2024-11-18. Review status: criteria provided, single submitter. Criteria: ACMG Guidelines, 2015. Collection method: clinical testing. Allele origin: germline.
Comment: This variant is classified as likely benign based on ACMG/AMP sequence variant interpretation guidelines (Richards et al. 2015 PMID: 25741868, with internal and published modifications).

NM_019892.6(INPP5E):c.390G>A (p.Pro130=)

Gene: INPP5E (inositol polyphosphate-5-phosphatase E; minus strand). Cytogenetic location: 9q34.3.
Variant type: single nucleotide variant.
Coding change: c.390G>A on transcript NM_019892.6 (MANE Select); coding-DNA position 390, G replaced by A.
Protein change: p.Pro130=; no amino-acid change (proline 130 retained).
Molecular consequence: synonymous variant.
Genome position (GRCh38, 1-based): chr9:136,439,030, C>T on the plus strand (G>A on the coding strand, the complement: INPP5E is on the minus strand). VCF-style: chr9-136439030-C-T. GRCh37 (hg19) VCF-style: chr9-139333482-C-T.
Other names: c.390G>A, p.Pro130= (NM_001318502.2).
Identifiers: ClinVar variation 5000841 (VCV005000841.1).